The following is an entry in ClinVar:

ClinVar aggregate classification (germline): Uncertain significance (1 of 4 stars; one submission).

Allele frequency attached by ClinVar (database versions not stated): TOPMed below 0.00001; gnomAD 0.00001; gnomAD exomes 0.00001 and 0.00002.
gnomAD v4.1: 10 of 1,607,612 alleles (0.00062%); highest among the groups gnomAD compares: Non-Finnish European, 0.00077%; no homozygotes.

Submission:

Labcorp Genetics (formerly Invitae), Labcorp
Classification: Uncertain significance. Last evaluated: 2022-10-13. Review status: criteria provided, single submitter. Criteria: Invitae Variant Classification Sherloc (09022015). Collection method: clinical testing. Allele origin: germline.
Comment: This sequence change falls in intron 47 of the CDH23 gene. It does not directly change the encoded amino acid sequence of the CDH23 protein. It affects a nucleotide within the consensus splice site. This variant is present in population databases (no rsID available, gnomAD 0.0009%). This variant has not been reported in the literature in individuals affected with CDH23-related conditions. ClinVar contains an entry for this variant (Variation ID: 1431265). Variants that disrupt the consensus splice site are a relatively common cause of aberrant splicing (PMID: 17576681, 9536098). Algorithms developed to predict the effect of sequence changes on RNA splicing suggest that this variant is not likely to affect RNA splicing. In summary, the available evidence is currently insufficient to determine the role of this variant in disease. Therefore, it has been classified as a Variant of Uncertain Significance.

Literature cited by the submitters: PubMed 17576681; PubMed 9536098.

NM_022124.6(CDH23):c.6254-3C>T

Gene: CDH23 (cadherin related 23; plus strand). Cytogenetic location: 10q22.1.
Variant type: single nucleotide variant.
Coding change: c.6254-3C>T on transcript NM_022124.6 (MANE Select); 3 bases into the intron before coding-DNA position 6254, C replaced by T.
Molecular consequence: intron variant.
Genome position (GRCh38, 1-based): chr10:71,793,179, C>T. VCF-style: chr10-71793179-C-T. GRCh37 (hg19) VCF-style: chr10-73552936-C-T.
Identifiers: ClinVar variation 1431265 (VCV001431265.3), dbSNP rs1350670031, ClinGen allele CA594705912.